The following is an entry in ClinVar:

NM_015164.4(PLEKHM2):c.2160G>A (p.Met720Ile)

Gene: PLEKHM2 (pleckstrin homology and RUN domain containing M2; plus strand). Cytogenetic location: 1p36.21.
Variant type: single nucleotide variant.
Coding change: c.2160G>A on transcript NM_015164.4 (MANE Select); coding-DNA position 2160, G replaced by A.
Protein change: p.Met720Ile; replaces methionine 720 with isoleucine.
Molecular consequence: missense variant.
Genome position (GRCh38, 1-based): chr1:15,729,881, G>A. VCF-style: chr1-15729881-G-A. GRCh37 (hg19) VCF-style: chr1-16056376-G-A.
Other names: c.2100G>A, p.Met700Ile (NM_001410755.1); short protein forms M700I, M720I.
Identifiers: ClinVar variation 4812736 (VCV004812736.1).

ClinVar aggregate classification (germline): Uncertain significance (1 of 4 stars; one submission).

gnomAD v4.1: 2 of 1,613,142 alleles (0.00012%); highest among the groups gnomAD compares: Non-Finnish European, 0.00017%; no homozygotes.

Submission:

Labcorp Genetics (formerly Invitae), Labcorp
Classification: Uncertain significance. Last evaluated: 2025-04-27. Review status: criteria provided, single submitter. Criteria: Invitae Variant Classification Sherloc (09022015). Collection method: clinical testing. Allele origin: germline.
Comment: This sequence change replaces methionine, which is neutral and non-polar, with isoleucine, which is neutral and non-polar, at codon 720 of the PLEKHM2 protein (p.Met720Ile). This variant is present in population databases (no rsID available, gnomAD 0.0009%). This variant has not been reported in the literature in individuals affected with PLEKHM2-related conditions. An algorithm developed to predict the effect of missense changes on protein structure and function (PolyPhen-2) suggests that this variant is likely to be disruptive. In summary, the available evidence is currently insufficient to determine the role of this variant in disease. Therefore, it has been classified as a Variant of Uncertain Significance.